The following is an entry in ClinVar:

ClinVar aggregate classification (germline): Uncertain significance. Review status: criteria provided, multiple submitters, no conflicts (2 of 4 stars). 3 submissions from 3 submitters: Uncertain significance (3). Last evaluated 2025-08-25.

Conditions:
Tumor predisposition syndrome 3 (TPDS3). Also called: Melanoma, cutaneous malignant, susceptibility to, 10; Glioma susceptibility 9; LONG TELOMERE SYNDROME, POT1-RELATED; POT1 Tumor Predisposition. Identifiers: Orphanet 618, MedGen C4014476, MONDO:0014368, OMIM 615848.
Hereditary cancer-predisposing syndrome. Also called: Neoplastic Syndromes, Hereditary; Hereditary Cancer Syndrome; Tumor predisposition; Hereditary neoplastic syndrome. Identifiers: Orphanet 140162, MedGen C0027672, MeSH D009386, MONDO:0015356.

Allele frequency attached by ClinVar (database versions not stated): gnomAD exomes below 0.00001; TOPMed below 0.00001; gnomAD 0.00001.
gnomAD v4.1: 2 of 1,610,924 alleles (0.00012%); highest among the groups gnomAD compares: South Asian, 0.0011%; no homozygotes.

Submissions (3):

Labcorp Genetics (formerly Invitae), Labcorp
Classification: Uncertain significance for Tumor predisposition syndrome 3. Last evaluated: 2025-08-25. Review status: criteria provided, single submitter. Criteria: Invitae Variant Classification Sherloc (09022015). Collection method: clinical testing. Allele origin: germline.
Comment: This sequence change replaces isoleucine, which is neutral and non-polar, with valine, which is neutral and non-polar, at codon 362 of the POT1 protein (p.Ile362Val). This variant is present in population databases (no rsID available, gnomAD 0.003%). This variant has not been reported in the literature in individuals affected with POT1-related conditions. ClinVar contains an entry for this variant (Variation ID: 641709). Invitae Evidence Modeling of protein sequence and biophysical properties (such as structural, functional, and spatial information, amino acid conservation, physicochemical variation, residue mobility, and thermodynamic stability) indicates that this missense variant is not expected to disrupt POT1 protein function with a negative predictive value of 80%. In summary, the available evidence is currently insufficient to determine the role of this variant in disease. Therefore, it has been classified as a Variant of Uncertain Significance.

Ambry Genetics
Classification: Uncertain significance for Hereditary cancer-predisposing syndrome. Last evaluated: 2024-05-23. Review status: criteria provided, single submitter. Criteria: Ambry Variant Classification Scheme 2023. Collection method: clinical testing. Allele origin: germline.
Comment: The p.I362V variant (also known as c.1084A>G), located in coding exon 9 of the POT1 gene, results from an A to G substitution at nucleotide position 1084. The isoleucine at codon 362 is replaced by valine, an amino acid with highly similar properties. This amino acid position is well conserved in available vertebrate species; however, valine is the reference amino acid in other vertebrate species. In addition, this alteration is predicted to be tolerated by in silico analysis. Since supporting evidence is limited at this time, the clinical significance of this alteration remains unclear.

GeneDx
Classification: Uncertain significance. Last evaluated: 2023-06-14. Review status: criteria provided, single submitter. Criteria: GeneDx Variant Classification Process June 2021. Collection method: clinical testing. Allele origin: germline. Affected: yes.
Comment: Not observed at significant frequency in large population cohorts (gnomAD); In silico analysis supports that this missense variant does not alter protein structure/function; Has not been previously published as pathogenic or benign to our knowledge; This variant is associated with the following publications: (PMID: 28393830)

NM_015450.3(POT1):c.1084A>G (p.Ile362Val)

Gene: POT1 (protection of telomeres 1; minus strand). Cytogenetic location: 7q31.33.
Variant type: single nucleotide variant.
Coding change: c.1084A>G on transcript NM_015450.3 (MANE Select); coding-DNA position 1084, A replaced by G.
Protein change: p.Ile362Val; replaces isoleucine 362 with valine.
Molecular consequence: missense variant. On other transcripts: non-coding transcript variant (3).
Genome position (GRCh38, 1-based): chr7:124,842,886, T>C on the plus strand (A>G on the coding strand, the complement: POT1 is on the minus strand). VCF-style: chr7-124842886-T-C. GRCh37 (hg19) VCF-style: chr7-124482940-T-C.
Other names: c.691A>G, p.Ile231Val (NM_001042594.2); short protein forms I362V, I231V.
Identifiers: ClinVar variation 641709 (VCV000641709.14), dbSNP rs1460433561, ClinGen allele CA369068381.